The following is an entry in ClinVar:

ClinVar aggregate classification (germline): Uncertain significance (1 of 4 stars; one submission).

Conditions:
4-5 toe syndactyly. Identifiers: MedGen C1837836, HP:0004692.
Abnormal eye morphology. Identifiers: MedGen C4022925, HP:0012372.
Basal cell nevi. Identifiers: MedGen C1862314.

Submission:

Clinical Genetics Laboratory, Skane University Hospital Lund
Classification: Uncertain significance for Basal cell nevi; Abnormal eye morphology. Last evaluated: 2025-08-25. Review status: criteria provided, single submitter. Criteria: ACMG Guidelines, 2015. Collection method: clinical testing. Allele origin: germline. Affected: yes.
Comment: ACMG-criteria used: PM2, PP3

NM_000264.5(PTCH1):c.1682T>G (p.Met561Arg)

Gene: PTCH1 (patched 1; minus strand). Cytogenetic location: 9q22.32.
Variant type: single nucleotide variant.
Coding change: c.1682T>G on transcript NM_000264.5 (MANE Select); coding-DNA position 1682, T replaced by G.
Protein change: p.Met561Arg; replaces methionine 561 with arginine.
Molecular consequence: missense variant. On other transcripts: non-coding transcript variant (1).
Genome position (GRCh38, 1-based): chr9:95,476,080, A>C on the plus strand (T>G on the coding strand, the complement: PTCH1 is on the minus strand). VCF-style: chr9-95476080-A-C. GRCh37 (hg19) VCF-style: chr9-98238362-A-C.
Other names: c.1484T>G, p.Met495Arg (NM_001083602.3); c.1679T>G, p.Met560Arg (NM_001083603.3); c.1229T>G, p.Met410Arg (NM_001083604.3, NM_001083605.3, NM_001083606.3 and 1 more transcripts); c.1526T>G, p.Met509Arg (NM_001354918.2); short protein forms M410R, M495R, M509R, M560R, M561R.
Identifiers: ClinVar variation 4076113 (VCV004076113.1).
Genomic context (GRCh38, chr9:95,476,080, plus strand): 5'-CACCAGAAGCTCACCTGGAGGGAGAACGCCCGCAGAGCGGGAATTGGGATTAACGCGGCC[A>C]TGAAGAAGGCTGTGACATTGCTGATGGACGTGAGGGCCACGCTGGCTCCTGTGCGCTTCA-3'
Protein context (NP_000255.2, residues 551-571): TSISNVTAFF[Met561Arg]AALIPIPALR